The following is an entry in ClinVar:

ClinVar aggregate classification (germline): Uncertain significance (1 of 4 stars; one submission).

Conditions:
Nemaline myopathy 2 (NEM2). Also called: Nemaline myopathy 2, autosomal recessive. Identifiers: MedGen C1850569, MONDO:0009725, OMIM 256030.

gnomAD v4.1: 8 of 1,581,560 alleles (0.00051%); highest among the groups gnomAD compares: African/African-American, 0.0081%; no homozygotes.

Submission:

Labcorp Genetics (formerly Invitae), Labcorp
Classification: Uncertain significance for Nemaline myopathy 2. Last evaluated: 2024-02-25. Review status: criteria provided, single submitter. Criteria: Invitae Variant Classification Sherloc (09022015). Collection method: clinical testing. Allele origin: germline.
Comment: This sequence change affects codon 770 of the NEB mRNA. It is a 'silent' change, meaning that it does not change the encoded amino acid sequence of the NEB protein. It affects a nucleotide within the consensus splice site. The frequency data for this variant in the population databases is considered unreliable, as metrics indicate poor data quality at this position in the gnomAD database. This variant has not been reported in the literature in individuals affected with NEB-related conditions. Algorithms developed to predict the effect of sequence changes on RNA splicing suggest that this variant is not likely to affect RNA splicing. In summary, the available evidence is currently insufficient to determine the role of this variant in disease. Therefore, it has been classified as a Variant of Uncertain Significance.

NM_001164508.2(NEB):c.2310T>C (p.Asp770=)

Gene: NEB (nebulin; minus strand). Cytogenetic location: 2q23.3.
Variant type: single nucleotide variant.
Coding change: c.2310T>C on transcript NM_001164508.2 (MANE Select); coding-DNA position 2310, T replaced by C.
Protein change: p.Asp770=; no amino-acid change (aspartic acid 770 retained).
Molecular consequence: synonymous variant.
Genome position (GRCh38, 1-based): chr2:151,690,727, A>G on the plus strand (T>C on the coding strand, the complement: NEB is on the minus strand). VCF-style: chr2-151690727-A-G. GRCh37 (hg19) VCF-style: chr2-152547241-A-G.
Other names: c.2310T>C, p.Asp770= (NM_001164507.2, NM_001271208.2, NM_004543.5).
Identifiers: ClinVar variation 3654079 (VCV003654079.2).